The following is an entry in ClinVar:

NM_001267550.2(TTN):c.18470T>C (p.Ile6157Thr)

Genes: TTN (titin; minus strand), LOC126806430 (BRD4-independent group 4 enhancer GRCh37_chr2:179593794-179594993; plus strand). Cytogenetic location: 2q31.2.
Variant type: single nucleotide variant.
Coding change: c.18470T>C on transcript NM_001267550.2 (MANE Select); coding-DNA position 18470, T replaced by C.
Protein change: p.Ile6157Thr; replaces isoleucine 6157 with threonine.
Molecular consequence: missense variant. On other transcripts: intron variant (3).
Genome position (GRCh38, 1-based): chr2:178,729,783, A>G on the plus strand (T>C on the coding strand, the complement: TTN is on the minus strand). VCF-style: chr2-178729783-A-G. GRCh37 (hg19) VCF-style: chr2-179594510-A-G.
Other names: c.17519T>C, p.Ile5840Thr (NM_001256850.1); c.14738T>C, p.Ile4913Thr (NM_133378.4); c.13282+8299T>C (NM_003319.4); c.13858+8299T>C (NM_133437.4); c.13657+8299T>C (NM_133432.3); short protein forms I5840T, I6157T, I4913T.
Identifiers: ClinVar variation 515918 (VCV000515918.10), dbSNP rs371882162, ClinGen allele CA2001612.

ClinVar aggregate classification (germline): Conflicting classifications of pathogenicity. Review status: criteria provided, conflicting classifications (1 of 4 stars). 10 submissions from 6 submitters: Uncertain significance (5); Likely benign (3). 2 of the submissions do not count toward it. Last evaluated 2026-04-02.

Conditions:
Autosomal recessive limb-girdle muscular dystrophy type 2J (LGMDR10). Also called: Limb-girdle muscular dystrophy, type 2J; MUSCULAR DYSTROPHY, LIMB-GIRDLE, AUTOSOMAL RECESSIVE 10. Identifiers: Orphanet 140922, MedGen C1837342, MONDO:0012127, OMIM 608807.
Tibial muscular dystrophy (TMD). Also called: Udd Distal Myopathy – Tibial Muscular Dystrophy; UDD MYOPATHY; Tibial muscular dystrophy, tardive. Identifiers: Orphanet 609, MedGen C1838244, MONDO:0010870, OMIM 600334.
Dilated cardiomyopathy 1G (CMD1G). Identifiers: Orphanet 154, MedGen C1858763, MONDO:0011400, OMIM 604145.
TTN-related disorder. Also called: TTN-related condition; TTN-related disease; TTN-related disorders.
Early-onset myopathy with fatal cardiomyopathy (CMYO5). Also called: Salih Myopathy; CONGENITAL MYOPATHY 5 WITH CARDIOMYOPATHY. Identifiers: Orphanet 289377, MedGen C2673677, MONDO:0012714, OMIM 611705. Disease mechanism: loss of function.
Myopathy, myofibrillar, 9, with early respiratory failure (MFM9). Also called: Hereditary myopathy with early respiratory failure; EDSTROM MYOPATHY; MYOPATHY, PROXIMAL, WITH EARLY RESPIRATORY MUSCLE INVOLVEMENT; Myopathy, distal, with early respiratory failure, autosomal dominant. Identifiers: Orphanet 178464, Orphanet 34521, MedGen C1863599, MONDO:0011362, OMIM 603689.

Allele frequency attached by ClinVar (database versions not stated): ExAC 0.00004; gnomAD exomes 0.00006 and 0.00008; TOPMed 0.00006; ESP Exome Variant Server 0.00008; gnomAD 0.00008 and 0.00009.
gnomAD v4.1: 127 of 1,613,610 alleles (0.0079%); highest among the groups gnomAD compares: Non-Finnish European, 0.01%; no homozygotes.

Submissions (10):

Women's Health and Genetics/Laboratory Corporation of America, LabCorp
Classification: Uncertain significance. Last evaluated: 2026-04-02. Review status: criteria provided, single submitter. Criteria: LabCorp Variant Classification Summary - May 2015. Collection method: clinical testing. Allele origin: germline.
Comment: Variant summary: TTN c.14738T>C (p.Ile4913Thr) results in a non-conservative amino acid change in the encoded protein sequence. Algorithms developed to predict the effect of missense changes on protein structure and function are either unavailable or do not agree on the potential impact of this missense change. The variant allele was found at a frequency of 5.6e-05 in 248668 control chromosomes. This frequency is not significantly higher than estimated for disease-causing variants in TTN, allowing no conclusion about variant significance. c.14738T>C has been observed in at least one individual affected with noncompaction cardiomyopathy (van Waning_2018). These report does not provide unequivocal conclusions about association of the variant with Dilated Cardiomyopathy or other TTN-related conditions. To our knowledge, no experimental evidence demonstrating an impact on protein function has been reported. The following publication has been ascertained in the context of this evaluation (PMID: 29447731). ClinVar contains an entry for this variant (Variation ID: 515918). Based on the evidence outlined above, the variant was classified as uncertain significance.

PreventionGenetics, part of Exact Sciences
Classification: Uncertain significance for TTN-related condition. Last evaluated: 2025-08-19. Review status: criteria provided, single submitter. Criteria: ACMG Guidelines, 2015. Collection method: clinical testing. Allele origin: germline.
Comment: The TTN c.18470T>C variant is predicted to result in the amino acid substitution p.Ile6157Thr. To our knowledge, this variant has not been reported in the literature. This variant is reported in 0.013% of alleles in individuals of European (Non-Finnish) descent in gnomAD. At this time, the clinical significance of this variant is uncertain due to the absence of conclusive functional and genetic evidence.

GeneDx
Classification: Likely benign. Last evaluated: 2018-03-02. Review status: criteria provided, single submitter. Criteria: GeneDx Variant Classification (06012015). Collection method: clinical testing. Allele origin: germline. Affected: yes.
Comment: This variant is considered likely benign or benign based on one or more of the following criteria: it is a conservative change, it occurs at a poorly conserved position in the protein, it is predicted to be benign by multiple in silico algorithms, and/or has population frequency not consistent with disease.

Illumina Laboratory Services, Illumina
Classification: Uncertain significance for Dilated cardiomyopathy 1G. Last evaluated: 2018-01-13. Review status: criteria provided, single submitter. Criteria: ICSL Variant Classification Criteria 13 December 2019. Collection method: clinical testing. Allele origin: germline.

Illumina Laboratory Services, Illumina
Classification: Uncertain significance for Autosomal recessive limb-girdle muscular dystrophy type 2J. Last evaluated: 2018-01-13. Review status: criteria provided, single submitter. Criteria: ICSL Variant Classification Criteria 13 December 2019. Collection method: clinical testing. Allele origin: germline.

Illumina Laboratory Services, Illumina
Classification: Likely benign for Tibial muscular dystrophy. Last evaluated: 2018-01-13. Review status: criteria provided, single submitter. Criteria: ICSL Variant Classification Criteria 13 December 2019. Collection method: clinical testing. Allele origin: germline.
Comment: This variant was observed in the ICSL laboratory as part of a predisposition screen in an ostensibly healthy population. It had not been previously curated by ICSL or reported in the Human Gene Mutation Database (HGMD: prior to June 1st, 2018), and was therefore a candidate for classification through an automated scoring system. Utilizing variant allele frequency, disease prevalence and penetrance estimates, and inheritance mode, an automated score was calculated to assess if this variant is too frequent to cause the disease. Based on the score and internal cut-off values, a variant classified as likely benign is not then subjected to further curation. The score for this variant resulted in a classification of likely benign for this disease.

Illumina Laboratory Services, Illumina
Classification: Likely benign for Myopathy, myofibrillar, 9, with early respiratory failure. Last evaluated: 2018-01-13. Review status: criteria provided, single submitter. Criteria: ICSL Variant Classification Criteria 13 December 2019. Collection method: clinical testing. Allele origin: germline.
Comment: the same text as in the submission from Illumina Laboratory Services, Illumina above.

Illumina Laboratory Services, Illumina
Classification: Uncertain significance for Early-onset myopathy with fatal cardiomyopathy. Last evaluated: 2018-01-13. Review status: criteria provided, single submitter. Criteria: ICSL Variant Classification Criteria 13 December 2019. Collection method: clinical testing. Allele origin: germline.

Clinical Genetics DNA and cytogenetics Diagnostics Lab, Erasmus MC, Erasmus Medical Center
Classification: Likely benign. Review status: no assertion criteria provided. Collection method: clinical testing. Allele origin: germline. Affected: yes. Study: VKGL Data-share Consensus. Not counted in ClinVar's aggregate classification.

Joint Genome Diagnostic Labs from Nijmegen and Maastricht, Radboudumc and MUMC+
Classification: Likely benign. Review status: no assertion criteria provided. Collection method: clinical testing. Allele origin: germline. Affected: yes. Study: VKGL Data-share Consensus. Not counted in ClinVar's aggregate classification.

Literature cited by the submitters: PubMed 29447731 (cited by Women's Health and Genetics/Laboratory Corporation of America, LabCorp).